The following is an entry in ClinVar:

ClinVar aggregate classification (germline): Likely benign (1 of 4 stars; one submission).

Allele frequency attached by ClinVar (database versions not stated): gnomAD exomes 0.00002; gnomAD 0.00003; TOPMed 0.00004.
gnomAD v4.1: 30 of 1,613,886 alleles (0.0019%); highest among the groups gnomAD compares: Middle Eastern, 0.049%; no homozygotes.

Submission:

CeGaT Center for Human Genetics Tuebingen
Classification: Likely benign. Last evaluated: 2022-09-01. Review status: criteria provided, single submitter. Criteria: CeGaT Center For Human Genetics Tuebingen Variant Classification Criteria Version 2. Collection method: clinical testing. Allele origin: germline. Affected: yes. Observed: 1 variant allele.
Comment: PPP1R12C: BP4, BP7

NM_017607.4(PPP1R12C):c.2325C>T (p.Arg775=)

Gene: PPP1R12C (protein phosphatase 1 regulatory subunit 12C; minus strand). Cytogenetic location: 19q13.42.
Variant type: single nucleotide variant.
Coding change: c.2325C>T on transcript NM_017607.4 (MANE Select); coding-DNA position 2325, C replaced by T.
Protein change: p.Arg775=; no amino-acid change (arginine 775 retained).
Molecular consequence: synonymous variant.
Genome position (GRCh38, 1-based): chr19:55,091,496, G>A on the plus strand (C>T on the coding strand, the complement: PPP1R12C is on the minus strand). VCF-style: chr19-55091496-G-A. GRCh37 (hg19) VCF-style: chr19-55602864-G-A.
Other names: c.2319C>T, p.Arg773= (NM_001271618.2).
Identifiers: ClinVar variation 2650507 (VCV002650507.24), dbSNP rs913350269, ClinGen allele CA310113931.
Genomic context (GRCh38, chr19:55,091,496, plus strand): 5'-GCTGTATAAATACGGGTGCGGGAAAGTCCCTCCGGGTCACTTGGAGAGTTTGCTGATGAC[G>A]CGGATCAACGCTGCATTCTCATCCTTGAGGCGCTGGTTGTCAGCGCGGAGGTCAGACAGG-3'
Protein context (NP_060077.1, residues 765-782): RLKDENAALI[Arg775=]VISKLSK